The following is an entry in ClinVar:

ClinVar aggregate classification (germline): Uncertain significance (0 of 4 stars; one submission).

Conditions:
NRP2-related disorder. Also called: NRP2-related condition.

Allele frequency attached by ClinVar (database versions not stated): ESP Exome Variant Server 0.00015.
gnomAD v4.1: 369 of 1,613,440 alleles (0.023%); highest among the groups gnomAD compares: Non-Finnish European, 0.031%; no homozygotes.

Submission:

PreventionGenetics, part of Exact Sciences
Classification: Uncertain significance for NRP2-related condition. Last evaluated: 2024-05-01. Review status: no assertion criteria provided. Collection method: clinical testing. Allele origin: germline.
Comment: The NRP2 c.2029G>T variant is predicted to result in the amino acid substitution p.Asp677Tyr. To our knowledge, this variant has not been reported in the literature. This variant is reported in 0.030% of alleles in individuals of European (Non-Finnish) descent in gnomAD. At this time, the clinical significance of this variant is uncertain due to the absence of conclusive functional and genetic evidence.

NM_003872.3(NRP2):c.2029G>T (p.Asp677Tyr)

Genes: NRP2 (neuropilin 2; plus strand), LOC126806481 (CDK7 strongly-dependent group 2 enhancer GRCh37_chr2:206617009-206618208; plus strand). Cytogenetic location: 2q33.3.
Variant type: single nucleotide variant.
Coding change: c.2029G>T on transcript NM_003872.3 (MANE Select); coding-DNA position 2029, G replaced by T.
Protein change: p.Asp677Tyr; replaces aspartic acid 677 with tyrosine.
Molecular consequence: missense variant.
Genome position (GRCh38, 1-based): chr2:205,752,960, G>T. VCF-style: chr2-205752960-G-T. GRCh37 (hg19) VCF-style: chr2-206617684-G-T.
Other names: c.2029G>T, p.Asp677Tyr (NM_018534.4, NM_201266.2, NM_201267.2 and 1 more transcripts); short protein forms D677Y.
Identifiers: ClinVar variation 2636058 (VCV002636058.2), dbSNP rs143905342, ClinGen allele CA2069289.